The following is an entry in ClinVar:

NM_004523.4(KIF11):c.397G>A (p.Ala133Thr)

Gene: KIF11 (kinesin family member 11; plus strand). Cytogenetic location: 10q23.33.
Variant type: single nucleotide variant.
Coding change: c.397G>A on transcript NM_004523.4 (MANE Select); coding-DNA position 397, G replaced by A.
Protein change: p.Ala133Thr; replaces alanine 133 with threonine.
Molecular consequence: missense variant.
Genome position (GRCh38, 1-based): chr10:92,609,029, G>A. VCF-style: chr10-92609029-G-A. GRCh37 (hg19) VCF-style: chr10-94368786-G-A.
Other names: short protein forms A133T.
Identifiers: ClinVar variation 2573712 (VCV002573712.2), dbSNP rs2492480738, ClinGen allele CA377589238.

ClinVar aggregate classification (germline): Uncertain significance (1 of 4 stars; one submission).

Submission:

GeneDx
Classification: Uncertain significance. Last evaluated: 2023-08-11. Review status: criteria provided, single submitter. Criteria: GeneDx Variant Classification Process June 2021. Collection method: clinical testing. Allele origin: germline.
Comment: Not observed at significant frequency in large population cohorts (gnomAD); In silico analysis supports that this missense variant has a deleterious effect on protein structure/function; Has not been previously published as pathogenic or benign to our knowledge